The following is an entry in ClinVar:

NM_001278512.2(AP3B2):c.*94A>C

Genes: AP3B2 (adaptor related protein complex 3 subunit beta 2; minus strand), CPEB1-AS1 (CPEB1 antisense RNA 1; plus strand). Cytogenetic location: 15q25.2.
Variant type: single nucleotide variant.
Coding change: c.*94A>C on transcript NM_001278512.2 (MANE Select); 94 bases downstream of the stop codon, A replaced by C.
Molecular consequence: 3 prime UTR variant.
Genome position (GRCh38, 1-based): chr15:82,659,466, T>G on the plus strand (A>C on the coding strand, the complement: AP3B2 is on the minus strand). VCF-style: chr15-82659466-T-G. GRCh37 (hg19) VCF-style: chr15-83328218-T-G.
Other names: c.*94A>C (NM_001278511.2, NM_001348441.2, NM_004644.5).
Identifiers: ClinVar variation 1879302 (VCV001879302.29), dbSNP rs562790793, ClinGen allele CA273478407.

ClinVar aggregate classification (germline): Uncertain significance (1 of 4 stars; one submission).

Allele frequency attached by ClinVar (database versions not stated): gnomAD 0.00006; 1000 Genomes Project 30x 0.00016; 1000 Genomes Project 0.00020.
gnomAD v4.1: 129 of 1,505,172 alleles (0.0086%); highest among the groups gnomAD compares: Middle Eastern, 0.017%; no homozygotes.

Submission:

CeGaT Center for Human Genetics Tuebingen
Classification: Uncertain significance. Last evaluated: 2022-12-01. Review status: criteria provided, single submitter. Criteria: CeGaT Center For Human Genetics Tuebingen Variant Classification Criteria Version 2. Collection method: clinical testing. Allele origin: germline. Affected: yes. Observed: 1 variant allele.
Comment: AP3B2: PM2